The following is an entry in ClinVar:

ClinVar aggregate classification (germline): Pathogenic. Review status: reviewed by expert panel (3 of 4 stars). 4 submissions from 4 submitters: Pathogenic (1). 3 of the submissions do not count toward it. Last evaluated 2025-09-05.

Conditions:
RPGR-related retinopathy. Also called: RPGR retinopathy. Identifiers: MedGen CN305589, MONDO:0100437.
RPGR-related disorder. Also called: RPGR-related condition.
Primary ciliary dyskinesia. Also called: Ciliary dyskinesia. Identifiers: Orphanet 244, MedGen C0008780, MONDO:0016575, HP:0012265.

Submissions (4):

ClinGen X-linked Inherited Retinal Disease Variant Curation Expert Panel, ClinGen
Classification: Pathogenic for RPGR-related retinopathy. Last evaluated: 2025-09-05. Review status: reviewed by expert panel. Criteria: ClinGen X LinkedIRD ACMG Specifications RPGR V1.0.0. Collection method: curation. Allele origin: germline. Inheritance: X-linked inheritance.
Comment: NM_001034853.2(RPGR):c.2716G>T (p.Glu906Ter) is a nonsense variant that introduces a premature stop in codon 906 within exon 15 of 15 that is predicted to disrupt a critical C-terminal region required for proper glutamylation of RPGR (PVS1, PMID: 36445968). This variant is absent from hemizygous individuals in gnomAD v4.1.0 (PM2_Supporting). At least one proband harboring this variant exhibits a phenotype including family history consistent with X-linked inheritance (2 pts), first/second decade onset (1 pt), decreased visual acuity (0.5 pts), cone involvement greater than rod involvement consistent with the variant location after position c.2128 (1 pt), photophobia (1 pt), central scotoma / macular atrophy (1 pt), abnormal color vision (0.5 pts), and pigmentary retinopathy (0.5 pts), which together are specific for RPGR-related retinopathy (7.5 points, PMID: 29769798, PP4). This variant has been reported in at least 1 proband meeting one of the PS4 requirements of a male with some functional vision impairment by age 30 years and/or decreased or absent electroretinogram responses, in addition to the apparently unrelated proband previously used for the PP4 code (PMID: 17325176, PMID: 29769798, PMID: 22807293; PS4_Supporting). The variant has been reported to segregate with retinal dystrophy through at least 3 affected meioses from 1 family (PP1_Moderate; PMID: 22807293). In summary, this variant is classified as pathogenic for RPGR-related retinopathy based on the ClinGen X-linked Inherited Retinal Disease Expert Panel Specifications to the ACMG/AMP Variant Interpretation Guidelines for RPGR Version 1.0.0; PVS1, PM2_Supporting, PS4_Supporting, PP4, and PP1_Moderate.

Labcorp Genetics (formerly Invitae), Labcorp
Classification: Pathogenic for Primary ciliary dyskinesia. Last evaluated: 2023-09-10. Review status: criteria provided, single submitter. Criteria: Invitae Variant Classification Sherloc (09022015). Collection method: clinical testing. Allele origin: germline. Not counted in ClinVar's aggregate classification.
Comment: This variant is not present in population databases (gnomAD no frequency). This premature translational stop signal has been observed in individuals with retinitis pigmentosa (PMID: 14564670, 29769798). This variant is also known as g.ORF15+963G→T/ORF15E321Ter. ClinVar contains an entry for this variant (Variation ID: 1802328). This variant disrupts a region of the RPGR (ORF15) protein in which other variant(s) (p.Leu1130Lysfs*13) have been determined to be pathogenic (PMID: 22264887; Invitae). This suggests that this is a clinically significant region of the protein, and that variants that disrupt it are likely to be disease-causing. For these reasons, this variant has been classified as Pathogenic. This sequence change creates a premature translational stop signal (p.Glu906*) in the RPGR (ORF15) gene. While this is not anticipated to result in nonsense mediated decay, it is expected to disrupt the last 247 amino acid(s) of the RPGR (ORF15) protein.

Blueprint Genetics
Classification: Pathogenic for RPGR-related disorders. Last evaluated: 2021-12-27. Review status: criteria provided, single submitter. Criteria: ACMG Guidelines, 2015. Collection method: clinical testing. Allele origin: germline. Affected: yes. Observed: 1 variant allele. Not counted in ClinVar's aggregate classification.

PreventionGenetics, part of Exact Sciences
Classification: Likely pathogenic. Last evaluated: 2021-12-07. Review status: criteria provided, single submitter. Criteria: ACMG Guidelines, 2015. Collection method: clinical testing. Allele origin: germline. Not counted in ClinVar's aggregate classification.

Literature cited by the submitters: PubMed 14564670 (cited by Labcorp Genetics (formerly Invitae), Labcorp); PubMed 29769798 (cited by Labcorp Genetics (formerly Invitae), Labcorp); PubMed 22264887 (cited by Labcorp Genetics (formerly Invitae), Labcorp).

NM_001034853.2(RPGR):c.2716G>T (p.Glu906Ter)

Gene: RPGR (retinitis pigmentosa GTPase regulator; minus strand). Cytogenetic location: Xp11.4.
Variant type: single nucleotide variant.
Coding change: c.2716G>T on transcript NM_001034853.2 (MANE Select); coding-DNA position 2716, G replaced by T.
Protein change: p.Glu906Ter; replaces glutamic acid 906 with a stop codon.
Molecular consequence: nonsense. On other transcripts: intron variant (8).
Genome position (GRCh38, 1-based): chrX:38,286,283, C>A on the plus strand (G>T on the coding strand, the complement: RPGR is on the minus strand). VCF-style: chrX-38286283-C-A. GRCh37 (hg19) VCF-style: chrX-38145536-C-A.
Other names: NM_001034853.2(RPGR):c.2716G>T; p.Glu906Ter; c.1569+4676G>T (NM_001367249.1, NM_001367250.1); c.1902+811G>T (NM_001367245.1); c.1386+4676G>T (NM_001367251.1); c.1719+811G>T (NM_001367246.1); c.1572+4676G>T (NM_001367247.1); c.1905+811G>T (NM_000328.3); and 1 more; short protein forms E906*.
Identifiers: ClinVar variation 1802328 (VCV001802328.7), dbSNP rs2067160069, ClinGen allele CA412729953.